The following is an entry in ClinVar:

NM_052844.4(DYNC2I2):c.632C>T (p.Ser211Leu)

Gene: DYNC2I2 (dynein 2 intermediate chain 2; minus strand). Cytogenetic location: 9q34.11.
Variant type: single nucleotide variant.
Coding change: c.632C>T on transcript NM_052844.4 (MANE Select); coding-DNA position 632, C replaced by T.
Protein change: p.Ser211Leu; replaces serine 211 with leucine.
Molecular consequence: missense variant.
Genome position (GRCh38, 1-based): chr9:128,636,352, G>A on the plus strand (C>T on the coding strand, the complement: DYNC2I2 is on the minus strand). VCF-style: chr9-128636352-G-A. GRCh37 (hg19) VCF-style: chr9-131398631-G-A.
Other names: c.632C>T (NM_052844.3); short protein forms S211L.
Identifiers: ClinVar variation 2043609 (VCV002043609.2), dbSNP rs755169068, ClinGen allele CA5266539.

ClinVar aggregate classification (germline): Uncertain significance. Review status: criteria provided, multiple submitters, no conflicts (2 of 4 stars). 2 submissions from 2 submitters: Uncertain significance (2). Last evaluated 2024-06-25.

Conditions:
Short-rib thoracic dysplasia 11 with or without polydactyly (SRTD11). Also called: SHORT-RIB THORACIC DYSPLASIA 11 WITHOUT POLYDACTYLY. Identifiers: Orphanet 474, Orphanet 93271, MedGen C3810200, MONDO:0014287, OMIM 615633.
Inborn genetic diseases. Identifiers: MedGen C0950123, MeSH D030342.

Allele frequency attached by ClinVar (database versions not stated): gnomAD exomes 0.00003; ExAC 0.00006; gnomAD 0.00007; TOPMed 0.00012.
gnomAD v4.1: 54 of 1,607,194 alleles (0.0034%); highest among the groups gnomAD compares: Middle Eastern, 0.033%; no homozygotes.

Submissions (2):

Ambry Genetics
Classification: Uncertain significance for Inborn genetic diseases. Last evaluated: 2024-06-25. Review status: criteria provided, single submitter. Criteria: Ambry Variant Classification Scheme 2023. Collection method: clinical testing. Allele origin: germline.

Labcorp Genetics (formerly Invitae), Labcorp
Classification: Uncertain significance for Short-rib thoracic dysplasia 11 with or without polydactyly. Last evaluated: 2022-08-16. Review status: criteria provided, single submitter. Criteria: Invitae Variant Classification Sherloc (09022015). Collection method: clinical testing. Allele origin: germline.
Comment: This sequence change replaces serine, which is neutral and polar, with leucine, which is neutral and non-polar, at codon 211 of the WDR34 protein (p.Ser211Leu). The frequency data for this variant in the population databases is considered unreliable, as metrics indicate poor data quality at this position in the gnomAD database. This variant has not been reported in the literature in individuals affected with WDR34-related conditions. Algorithms developed to predict the effect of missense changes on protein structure and function (SIFT, PolyPhen-2, Align-GVGD) all suggest that this variant is likely to be tolerated. In summary, the available evidence is currently insufficient to determine the role of this variant in disease. Therefore, it has been classified as a Variant of Uncertain Significance.